The following is an entry in ClinVar:

NM_170707.4(LMNA):c.24C>T (p.Arg8=)

Genes: LMNA (lamin A/C; plus strand), LOC129931597 (ATAC-STARR-seq lymphoblastoid silent region 1421; plus strand). Cytogenetic location: 1q22.
Variant type: single nucleotide variant.
Coding change: c.24C>T on transcript NM_170707.4 (MANE Select); coding-DNA position 24, C replaced by T.
Protein change: p.Arg8=; no amino-acid change (arginine 8 retained).
Molecular consequence: synonymous variant. On other transcripts: 5 prime UTR variant (8), intron variant (2).
Genome position (GRCh38, 1-based): chr1:156,114,942, C>T. VCF-style: chr1-156114942-C-T. GRCh37 (hg19) VCF-style: chr1-156084733-C-T.
Other names: c.24C>T, p.Arg8= (NM_001282625.2, NM_001282626.2, NM_001406983.1 and 6 more transcripts); c.-400C>T (NM_001406986.1); c.-378C>T (NM_001406990.1, NM_001406995.1, NM_001407002.1); c.-641C>T (NM_001406994.1, NM_001407000.1); c.-821C>T (NM_001406999.1); c.-484C>T (NM_001407001.1); c.-203+8119C>T (NM_001406993.1, NM_001407003.1).
Identifiers: ClinVar variation 3341982 (VCV003341982.16).

ClinVar aggregate classification (germline): Likely benign (1 of 4 stars; one submission).

gnomAD v4.1: 1 of 1,566,846 alleles (0.000064%); highest among the groups gnomAD compares: Non-Finnish European, 0.000087%; no homozygotes.

Submission:

CeGaT Center for Human Genetics Tuebingen
Classification: Likely benign. Last evaluated: 2026-07-01. Review status: criteria provided, single submitter. Criteria: CeGaT Center For Human Genetics Tuebingen Variant Classification Criteria Version 2. Collection method: clinical testing. Allele origin: germline. Affected: yes. Observed: 1 variant allele.
Comment: LMNA: BP4, BP7